The following is an entry in ClinVar:

ClinVar aggregate classification (germline): Pathogenic. Review status: criteria provided, multiple submitters, no conflicts (2 of 4 stars). 6 submissions from 6 submitters: Pathogenic (5). 1 of the submissions does not count toward it. Last evaluated 2026-05-19.

Conditions:
Noonan syndrome and Noonan-related syndrome. Identifiers: Orphanet 98733, MedGen C5681679, MONDO:0020297.
Monogenic short stature.
RASopathy. Also called: Noonan spectrum disorder; rasopathies. Identifiers: Orphanet 536391, MedGen C5555857, MONDO:0021060.
Noonan syndrome (NS). Also called: Noonan's syndrome. Identifiers: Orphanet 648, MedGen C0028326, MeSH D009634, MONDO:0018997. Disease mechanism: gain of function.

Submissions (6):

Women's Health and Genetics/Laboratory Corporation of America, LabCorp
Classification: Pathogenic for Noonan syndrome. Last evaluated: 2026-05-19. Review status: criteria provided, single submitter. Criteria: LabCorp Variant Classification Summary - May 2015. Collection method: clinical testing. Allele origin: germline.
Comment: Variant summary: RAF1 c.776C>T (p.Ser259Phe) results in a non-conservative amino acid change in the encoded protein sequence. Algorithms developed to predict the effect of missense changes on protein structure and function all suggest that this variant is likely to be disruptive. The variant was absent in 251468 control chromosomes. c.776C>T has been observed in individuals affected with Noonan Syndrome (e.g. Pandit_2007, Kobayashi_2010, Ezquieta_2012, Ilic_2024). These data indicate that the variant is likely to be associated with disease. At least one publication reports experimental evidence evaluating an impact on protein function and found the variant results in increased RAF1 kinase activity in the absence of stimulation (e.g. Kobayashi_2010). Additionally, multiple variants located at the same codon (c.776C>A p.Ser259Tyr; c.776C>G, p.Ser259Cys; c.775T>C, p.Ser259Pro) have been classified as pathogenic/likely lathogenic by our lab, supporting a critical relevance of this residue to RAF1 protein function. The following publications have been ascertained in the context of this evaluation (PMID: 22465605, 39596663, 20052757, 17603483). ClinVar contains an entry for this variant (Variation ID: 40603). Based on the evidence outlined above, the variant was classified as pathogenic.

ARUP Laboratories, Molecular Genetics and Genomics, ARUP Laboratories
Classification: Pathogenic. Last evaluated: 2023-01-04. Review status: criteria provided, single submitter. Criteria: ARUP Molecular Germline Variant Investigation Process 2024. Collection method: clinical testing. Allele origin: germline.
Comment: The RAF1 c.776C>T; p.Ser259Phe variant (rs397516827) is reported in the literature in individuals affected with Noonan syndrome (Kobayashi 2010, Pandit 2007). This variant is also reported in ClinVar (Variation ID: 40603), but is absent from the Genome Aggregation Database, indicating it is not a common polymorphism. The serine at codon 259 is highly conserved, and computational analyses predict that this variant is deleterious (REVEL: 0.786). The serine at residue 259 is critical for regulation of the protein, and amino acid changes to this residue and others in the CR2 domain lead to increased RAF1 kinase activity (Kobayashi 2010, Pandit 2007). Indeed, other amino acid substitutions at this codon (Cys, Pro, Thr, Tyr, Leu) have been reported in individuals with Noonan syndrome and are considered pathogenic (Bowling 2022, Croonen 2013, Jaouadi 2019, Kauffman 2021). Based on available information, the p.Ser259Phe variant is considered to be pathogenic. References: Bowling KM et al. Genome sequencing as a first-line diagnostic test for hospitalized infants. Genet Med. 2022 Apr;24(4):851-861. PMID: 34930662. Croonen EA et al. Prenatal diagnostic testing of the Noonan syndrome genes in fetuses with abnormal ultrasound findings. Eur J Hum Genet. 2013 Sep;21(9):936-42. PMID: 23321623. Jaouadi H et al. A severe clinical phenotype of Noonan syndrome with neonatal hypertrophic cardiomyopathy in the second case worldwide with RAF1 S259Y neomutation. Genet Res (Camb). 2019 Apr 29;101:e6. PMID: 31030682. Kauffman H et al. Genotype-phenotype association by echocardiography offers incremental value in patients with Noonan Syndrome with Multiple Lentigines. Pediatr Res. 2021 Aug;90(2):444-451. PMID: 33318624. Kobayashi T et al. Molecular and clinical analysis of RAF1 in Noonan syndrome and related disorders: dephosphorylation of serine 259 as the essential mechanism for mutant activation. Hum Mutat. 2010 Mar;31(3):284-94. PMID: 20052757. Pandit B et al. Gain-of-function RAF1 mutations cause Noonan and LEOPARD syndromes with hypertrophic cardiomyopathy. Nat Genet. 2007 Aug;39(8):1007-12. PMID: 17603483.

Labcorp Genetics (formerly Invitae), Labcorp
Classification: Pathogenic for RASopathy. Last evaluated: 2022-01-14. Review status: criteria provided, single submitter. Criteria: Invitae Variant Classification Sherloc (09022015). Collection method: clinical testing. Allele origin: germline.
Comment: Advanced modeling of protein sequence and biophysical properties (such as structural, functional, and spatial information, amino acid conservation, physicochemical variation, residue mobility, and thermodynamic stability) performed at Invitae indicates that this missense variant is expected to disrupt RAF1 protein function. ClinVar contains an entry for this variant (Variation ID: 40603). This missense change has been observed in individuals with Noonan syndrome (PMID: 17603483, 20052757, 22465605). This variant is not present in population databases (gnomAD no frequency). This sequence change replaces serine, which is neutral and polar, with phenylalanine, which is neutral and non-polar, at codon 259 of the RAF1 protein (p.Ser259Phe). Experimental studies have shown that this missense change affects RAF1 function (PMID: 17603483, 20052757, 21784453). For these reasons, this variant has been classified as Pathogenic. This missense change is located in a region of the RAF1 protein where a significant number of previously reported RAF1 missense mutations are found (PMID: 17603483)

Athena Diagnostics
Classification: Pathogenic. Last evaluated: 2021-10-01. Review status: criteria provided, single submitter. Criteria: Athena Diagnostics Criteria. Collection method: clinical testing. Allele origin: unknown.
Comment: This variant has not been reported in large, multi-ethnic general populations. This variant has been identified in multiple individuals with clinical features associated with this gene (PMID: 17603483, 20052757, 23613113). Assessment of experimental evidence suggests this variant results in abnormal protein function (PMID: 17603483, 20052757). This variant is located in a region that is considered important for protein function and/or structure (PMID: 17603483, 20052757, 21784453).This observation is not an independent occurrence and has been identified in the same individual by RCIGM, the other laboratory participating in the GEMINI study.

Genome Diagnostics Laboratory, The Hospital for Sick Children
Classification: Pathogenic for Noonan syndrome and Noonan-related syndrome. Last evaluated: 2020-02-01. Review status: criteria provided, single submitter. Criteria: ACMG Guidelines, 2015. Collection method: clinical testing. Allele origin: germline. Affected: yes.

Exeter Genomics Laboratory, Royal Devon University Healthcare NHS Foundation Trust
Classification: Pathogenic for Monogenic short stature. Last evaluated: 2025-06-10. Review status: no assertion criteria provided. Collection method: clinical testing. Allele origin: germline. Affected: yes. Not counted in ClinVar's aggregate classification.

Literature cited by the submitters: PubMed 17603483 (cited by Women's Health and Genetics/Laboratory Corporation of America, LabCorp and Labcorp Genetics (formerly Invitae), Labcorp); PubMed 22465605 (cited by Women's Health and Genetics/Laboratory Corporation of America, LabCorp and Labcorp Genetics (formerly Invitae), Labcorp); PubMed 20052757 (cited by Women's Health and Genetics/Laboratory Corporation of America, LabCorp and Labcorp Genetics (formerly Invitae), Labcorp); PubMed 39596663 (cited by Women's Health and Genetics/Laboratory Corporation of America, LabCorp); PubMed 21784453 (cited by Labcorp Genetics (formerly Invitae), Labcorp).

NM_002880.4(RAF1):c.776C>T (p.Ser259Phe)

Gene: RAF1 (Raf-1 proto-oncogene, serine/threonine kinase; minus strand). Cytogenetic location: 3p25.2.
Variant type: single nucleotide variant.
Coding change: c.776C>T on transcript NM_002880.4 (MANE Select); coding-DNA position 776, C replaced by T.
Protein change: p.Ser259Phe; replaces serine 259 with phenylalanine.
Molecular consequence: missense variant. On other transcripts: non-coding transcript variant (3).
Genome position (GRCh38, 1-based): chr3:12,604,194, G>A on the plus strand (C>T on the coding strand, the complement: RAF1 is on the minus strand). VCF-style: chr3-12604194-G-A. GRCh37 (hg19) VCF-style: chr3-12645693-G-A.
Other names: c.776C>T, p.Ser259Phe (NM_001354689.3, NM_001354690.3); c.533C>T, p.Ser178Phe (NM_001354691.3, NM_001354692.3, NM_001354694.3); c.677C>T, p.Ser226Phe (NM_001354693.3); c.434C>T, p.Ser145Phe (NM_001354695.3); short protein forms S259F, S226F, S145F, S178F.
Identifiers: ClinVar variation 40603 (VCV000040603.16), dbSNP rs397516827, ClinGen allele CA339739.
Genomic context (GRCh38, chr3:12,604,194, plus strand): 5'-ACCTCAATCATCCTGCTGTCCACAGGCAGGGTGGTGCTGACCATGTGGACATTAGGTGTG[G>A]ATGTCGACCTCTGCCTCTGGGAGAGGGAACCTTCAGATGAGGGACTGGAGGTGTTAAAGG-3'
Protein context (NP_002871.1, residues 249-269): GSLSQRQRST[Ser259Phe]TPNVHMVSTT